The following is an entry in ClinVar:

NM_003356.4(UCP3):c.526A>G (p.Arg176Gly)

Gene: UCP3 (uncoupling protein 3; minus strand). Cytogenetic location: 11q13.4.
Variant type: single nucleotide variant.
Coding change: c.526A>G on transcript NM_003356.4 (MANE Select); coding-DNA position 526, A replaced by G.
Protein change: p.Arg176Gly; replaces arginine 176 with glycine.
Molecular consequence: missense variant.
Genome position (GRCh38, 1-based): chr11:74,005,745, T>C on the plus strand (A>G on the coding strand, the complement: UCP3 is on the minus strand). VCF-style: chr11-74005745-T-C. GRCh37 (hg19) VCF-style: chr11-73716790-T-C.
Other names: c.526A>G, p.Arg176Gly (NM_022803.3); short protein forms R176G.
Identifiers: ClinVar variation 3628127 (VCV003628127.2).

ClinVar aggregate classification (germline): Uncertain significance (1 of 4 stars; one submission).

gnomAD v4.1: 1 of 1,614,160 alleles (0.000062%); highest among the groups gnomAD compares: Non-Finnish European, 0.000085%; no homozygotes.

Submission:

Labcorp Genetics (formerly Invitae), Labcorp
Classification: Uncertain significance. Last evaluated: 2024-09-15. Review status: criteria provided, single submitter. Criteria: Invitae Variant Classification Sherloc (09022015). Collection method: clinical testing. Allele origin: germline.
Comment: This sequence change replaces arginine, which is basic and polar, with glycine, which is neutral and non-polar, at codon 176 of the UCP3 protein (p.Arg176Gly). This variant is not present in population databases (gnomAD no frequency). This variant has not been reported in the literature in individuals affected with UCP3-related conditions. Invitae Evidence Modeling of protein sequence and biophysical properties (such as structural, functional, and spatial information, amino acid conservation, physicochemical variation, residue mobility, and thermodynamic stability) indicates that this missense variant is not expected to disrupt UCP3 protein function with a negative predictive value of 80%. In summary, the available evidence is currently insufficient to determine the role of this variant in disease. Therefore, it has been classified as a Variant of Uncertain Significance.